The following is an entry in ClinVar:

NM_016148.5(SHANK1):c.3405G>T (p.Pro1135=)

Gene: SHANK1 (SH3 and multiple ankyrin repeat domains 1; minus strand). Cytogenetic location: 19q13.33.
Variant type: single nucleotide variant.
Coding change: c.3405G>T on transcript NM_016148.5 (MANE Select); coding-DNA position 3405, G replaced by T.
Protein change: p.Pro1135=; no amino-acid change (proline 1135 retained).
Molecular consequence: synonymous variant.
Genome position (GRCh38, 1-based): chr19:50,668,555, C>A on the plus strand (G>T on the coding strand, the complement: SHANK1 is on the minus strand). VCF-style: chr19-50668555-C-A. GRCh37 (hg19) VCF-style: chr19-51171812-C-A.
Identifiers: ClinVar variation 3043789 (VCV003043789.2), dbSNP rs371457886, ClinGen allele CA9601314.

ClinVar aggregate classification (germline): Likely benign (0 of 4 stars; one submission).

Conditions:
SHANK1-related disorder. Also called: SHANK1-related condition.

Allele frequency attached by ClinVar (database versions not stated): ExAC 0.00080; ESP Exome Variant Server 0.00152; gnomAD 0.00175; TOPMed 0.00200; 1000 Genomes Project 0.00220; 1000 Genomes Project 30x 0.00234.
gnomAD v4.1: 907 of 1,365,462 alleles (0.066%); highest among the groups gnomAD compares: African/African-American, 0.43%; 2 homozygotes.

Submission:

PreventionGenetics, part of Exact Sciences
Classification: Likely benign for SHANK1-related condition. Last evaluated: 2019-03-29. Review status: no assertion criteria provided. Collection method: clinical testing. Allele origin: germline.
Comment: This variant is classified as likely benign based on ACMG/AMP sequence variant interpretation guidelines (Richards et al. 2015 PMID: 25741868, with internal and published modifications).